The following is an entry in ClinVar:

ClinVar aggregate classification (germline): Uncertain significance. Review status: criteria provided, multiple submitters, no conflicts (2 of 4 stars). 2 submissions from 2 submitters: Uncertain significance (2). Last evaluated 2025-09-25.

Conditions:
Inborn genetic diseases. Identifiers: MedGen C0950123, MeSH D030342.

Allele frequency attached by ClinVar (database versions not stated): 1000 Genomes Project 30x 0.00047; ESP Exome Variant Server 0.00015; 1000 Genomes Project 0.00060; ExAC 0.00007; gnomAD 0.00007 and 0.00008; gnomAD exomes 0.00009.
gnomAD v4.1: 100 of 1,614,112 alleles (0.0062%); highest among the groups gnomAD compares: African/African-American, 0.021%; no homozygotes.

Submissions (4):

Ambry Genetics
Classification: Uncertain significance for Inborn genetic diseases. Last evaluated: 2025-09-25. Review status: criteria provided, single submitter. Criteria: Ambry Variant Classification Scheme 2023. Collection method: clinical testing. Allele origin: germline.

Labcorp Genetics (formerly Invitae), Labcorp
Classification: Uncertain significance. Last evaluated: 2022-02-03. Review status: criteria provided, single submitter. Criteria: Invitae Variant Classification Sherloc (09022015). Collection method: clinical testing. Allele origin: germline.
Comment: This sequence change replaces alanine, which is neutral and non-polar, with valine, which is neutral and non-polar, at codon 947 of the ADAMTS17 protein (p.Ala947Val). This variant is present in population databases (rs374781820, gnomAD 0.05%). This variant has not been reported in the literature in individuals affected with ADAMTS17-related conditions. Algorithms developed to predict the effect of missense changes on protein structure and function are either unavailable or do not agree on the potential impact of this missense change (SIFT: "Not Available"; PolyPhen-2: "Benign"; Align-GVGD: "Not Available"). In summary, the available evidence is currently insufficient to determine the role of this variant in disease. Therefore, it has been classified as a Variant of Uncertain Significance.

Dr. Peter K. Rogan Lab, Western University
No classification provided (evidence only). Condition: Sarcoma. Review status: no classification provided. Collection method: in vitro. Allele origin: not applicable. Functional consequence: retained intron. Not counted in ClinVar's aggregate classification.

Dr. Peter K. Rogan Lab, Western University
No classification provided (evidence only). Condition: Ovarian serous cystadenocarcinoma. Review status: no classification provided. Collection method: in vitro. Allele origin: not applicable. Functional consequence: retained intron. Not counted in ClinVar's aggregate classification.

NM_139057.4(ADAMTS17):c.2840C>T (p.Ala947Val)

Gene: ADAMTS17 (ADAM metallopeptidase with thrombospondin type 1 motif 17; minus strand). Cytogenetic location: 15q26.3.
Variant type: single nucleotide variant.
Coding change: c.2840C>T on transcript NM_139057.4 (MANE Select); coding-DNA position 2840, C replaced by T.
Protein change: p.Ala947Val; replaces alanine 947 with valine.
Molecular consequence: missense variant.
Genome position (GRCh38, 1-based): chr15:99,993,157, G>A on the plus strand (C>T on the coding strand, the complement: ADAMTS17 is on the minus strand). VCF-style: chr15-99993157-G-A. GRCh37 (hg19) VCF-style: chr15-100533362-G-A.
Other names: c.2840C>T (NM_139057.2); short protein forms A947V.
Identifiers: ClinVar variation 1389041 (VCV001389041.5), dbSNP rs374781820, ClinGen allele CA7757551.
Genomic context (GRCh38, chr15:99,993,157, plus strand): 5'-CAGGCCTCCTCGGCTCTCGGCCTCGTGGATGCGTCGCATTTCCCTTGTGAGTTGGTGCAC[G>A]CCACGGTCCGTTTCCACACCCCTTTACCACAGCTGGCAGAGCACTGCAAGACACCATTCA-3'
Protein context (NP_620688.2, residues 937-957): CGKGVWKRTV[Ala947Val]CTNSQGKCDA